The following is an entry in ClinVar:

NM_006206.6(PDGFRA):c.2005C>T (p.Pro669Ser)

Gene: PDGFRA (platelet derived growth factor receptor alpha; plus strand). Cytogenetic location: 4q12.
Variant type: single nucleotide variant.
Coding change: c.2005C>T on transcript NM_006206.6 (MANE Select); coding-DNA position 2005, C replaced by T.
Protein change: p.Pro669Ser; replaces proline 669 with serine.
Molecular consequence: missense variant.
Genome position (GRCh38, 1-based): chr4:54,278,364, C>T. VCF-style: chr4-54278364-C-T. GRCh37 (hg19) VCF-style: chr4-55144531-C-T.
Other names: c.2005C>T, p.Pro669Ser (NM_001347827.2, NM_001347829.2); c.2080C>T, p.Pro694Ser (NM_001347828.2); c.2044C>T, p.Pro682Ser (NM_001347830.2); c.2005C>T (NM_006206.4); short protein forms P669S, P682S, P694S.
Identifiers: ClinVar variation 1052433 (VCV001052433.10), dbSNP rs768124156, ClinGen allele CA2922737.

ClinVar aggregate classification (germline): Uncertain significance. Review status: criteria provided, multiple submitters, no conflicts (2 of 4 stars). 2 submissions from 2 submitters: Uncertain significance (2). Last evaluated 2025-05-05.

Conditions:
Gastrointestinal stromal tumor. Also called: Gastrointestinal stromal tumor, somatic; Gastrointestinal stroma tumor. Identifiers: Orphanet 44890, MedGen C0238198, MeSH D046152, MONDO:0011719, OMIM 606764, HP:0100723.
Hereditary cancer-predisposing syndrome. Also called: Tumor predisposition; Neoplastic Syndromes, Hereditary; Hereditary neoplastic syndrome; Hereditary Cancer Syndrome. Identifiers: Orphanet 140162, MedGen C0027672, MeSH D009386, MONDO:0015356.

Allele frequency attached by ClinVar (database versions not stated): gnomAD exomes below 0.00001; ExAC 0.00001.
gnomAD v4.1: 1 of 1,613,228 alleles (0.000062%); highest among the groups gnomAD compares: Non-Finnish European, 0.000085%; no homozygotes.

Submissions (2):

Labcorp Genetics (formerly Invitae), Labcorp
Classification: Uncertain significance for Gastrointestinal stromal tumor. Last evaluated: 2025-05-05. Review status: criteria provided, single submitter. Criteria: Invitae Variant Classification Sherloc (09022015). Collection method: clinical testing. Allele origin: germline.
Comment: This sequence change replaces proline, which is neutral and non-polar, with serine, which is neutral and polar, at codon 669 of the PDGFRA protein (p.Pro669Ser). This variant is not present in population databases (gnomAD no frequency). This variant has not been reported in the literature in individuals affected with PDGFRA-related conditions. ClinVar contains an entry for this variant (Variation ID: 1052433). An algorithm developed to predict the effect of missense changes on protein structure and function (PolyPhen-2) suggests that this variant is likely to be disruptive. In summary, the available evidence is currently insufficient to determine the role of this variant in disease. Therefore, it has been classified as a Variant of Uncertain Significance.

Ambry Genetics
Classification: Uncertain significance for Hereditary cancer-predisposing syndrome. Last evaluated: 2024-11-09. Review status: criteria provided, single submitter. Criteria: Ambry Variant Classification Scheme 2023. Collection method: clinical testing. Allele origin: germline.
Comment: The p.P669S variant (also known as c.2005C>T), located in coding exon 14 of the PDGFRA gene, results from a C to T substitution at nucleotide position 2005. The proline at codon 669 is replaced by serine, an amino acid with similar properties. This amino acid position is conserved. In addition, this alteration is predicted to be deleterious by in silico analysis. Based on the available evidence, the clinical significance of this variant remains unclear.